The following is an entry in ClinVar:

ClinVar aggregate classification (germline): Uncertain significance (1 of 4 stars; one submission).

Submission:

Labcorp Genetics (formerly Invitae), Labcorp
Classification: Uncertain significance. Last evaluated: 2024-11-16. Review status: criteria provided, single submitter. Criteria: Invitae Variant Classification Sherloc (09022015). Collection method: clinical testing. Allele origin: germline.
Comment: This sequence change replaces valine, which is neutral and non-polar, with alanine, which is neutral and non-polar, at codon 101 of the PFN1 protein (p.Val101Ala). This variant is not present in population databases (gnomAD no frequency). This variant has not been reported in the literature in individuals affected with PFN1-related conditions. An algorithm developed to predict the effect of missense changes on protein structure and function (PolyPhen-2) suggests that this variant is likely to be tolerated. In summary, the available evidence is currently insufficient to determine the role of this variant in disease. Therefore, it has been classified as a Variant of Uncertain Significance.

NM_005022.4(PFN1):c.302T>C (p.Val101Ala)

Gene: PFN1 (profilin 1; minus strand). Cytogenetic location: 17p13.2.
Variant type: single nucleotide variant.
Coding change: c.302T>C on transcript NM_005022.4 (MANE Select); coding-DNA position 302, T replaced by C.
Protein change: p.Val101Ala; replaces valine 101 with alanine.
Molecular consequence: missense variant.
Genome position (GRCh38, 1-based): chr17:4,946,651, A>G on the plus strand (T>C on the coding strand, the complement: PFN1 is on the minus strand). VCF-style: chr17-4946651-A-G. GRCh37 (hg19) VCF-style: chr17-4849946-A-G.
Other names: c.302T>C, p.Val101Ala (NM_001375991.1); short protein forms V101A.
Identifiers: ClinVar variation 3729463 (VCV003729463.2).